The following is an entry in ClinVar:

NM_194250.2(ZNF804A):c.669C>A (p.Ser223=)

Gene: ZNF804A (zinc finger protein 804A; plus strand). Cytogenetic location: 2q32.1.
Variant type: single nucleotide variant.
Coding change: c.669C>A on transcript NM_194250.2 (MANE Select); coding-DNA position 669, C replaced by A.
Protein change: p.Ser223=; no amino-acid change (serine 223 retained).
Molecular consequence: synonymous variant.
Genome position (GRCh38, 1-based): chr2:184,936,065, C>A. VCF-style: chr2-184936065-C-A. GRCh37 (hg19) VCF-style: chr2-185800792-C-A.
Identifiers: ClinVar variation 3033697 (VCV003033697.2), dbSNP rs148931756, ClinGen allele CA2015827.

ClinVar aggregate classification (germline): Likely benign (0 of 4 stars; one submission).

Conditions:
ZNF804A-related disorder. Also called: ZNF804A-related condition.

Allele frequency attached by ClinVar (database versions not stated): 1000 Genomes Project 0.00020; 1000 Genomes Project 30x 0.00031; ESP Exome Variant Server 0.00038.
gnomAD v4.1: 863 of 1,613,936 alleles (0.053%); highest among the groups gnomAD compares: Non-Finnish European, 0.069%; no homozygotes.

Submission:

PreventionGenetics, part of Exact Sciences
Classification: Likely benign for ZNF804A-related condition. Last evaluated: 2019-06-07. Review status: no assertion criteria provided. Collection method: clinical testing. Allele origin: germline.
Comment: This variant is classified as likely benign based on ACMG/AMP sequence variant interpretation guidelines (Richards et al. 2015 PMID: 25741868, with internal and published modifications).